The following is an entry in ClinVar:

ClinVar aggregate classification (germline): Uncertain significance (1 of 4 stars; one submission).

Allele frequency attached by ClinVar (database versions not stated): gnomAD exomes 0.00001; ExAC 0.00002; ESP Exome Variant Server 0.00008.
gnomAD v4.1: 7 of 1,493,496 alleles (0.00047%); highest among the groups gnomAD compares: Non-Finnish European, 0.00065%; no homozygotes.

Submission:

Labcorp Genetics (formerly Invitae), Labcorp
Classification: Uncertain significance. Last evaluated: 2026-01-19. Review status: criteria provided, single submitter. Criteria: Invitae Variant Classification Sherloc (09022015). Collection method: clinical testing. Allele origin: germline.
Comment: This sequence change replaces asparagine, which is neutral and polar, with lysine, which is basic and polar, at codon 767 of the PDE6C protein (p.Asn767Lys). This variant is present in population databases (rs376305734, gnomAD 0.002%). This variant has not been reported in the literature in individuals affected with PDE6C-related conditions. ClinVar contains an entry for this variant (Variation ID: 1356279). Invitae Evidence Modeling of protein sequence and biophysical properties (such as structural, functional, and spatial information, amino acid conservation, physicochemical variation, residue mobility, and thermodynamic stability) indicates that this missense variant is not expected to disrupt PDE6C protein function with a negative predictive value of 80%. In summary, the available evidence is currently insufficient to determine the role of this variant in disease. Therefore, it has been classified as a Variant of Uncertain Significance.

NM_006204.4(PDE6C):c.2301C>A (p.Asn767Lys)

Gene: PDE6C (phosphodiesterase 6C; plus strand). Cytogenetic location: 10q23.33.
Variant type: single nucleotide variant.
Coding change: c.2301C>A on transcript NM_006204.4 (MANE Select); coding-DNA position 2301, C replaced by A.
Protein change: p.Asn767Lys; replaces asparagine 767 with lysine.
Molecular consequence: missense variant.
Genome position (GRCh38, 1-based): chr10:93,662,577, C>A. VCF-style: chr10-93662577-C-A. GRCh37 (hg19) VCF-style: chr10-95422334-C-A.
Other names: short protein forms N767K.
Identifiers: ClinVar variation 1356279 (VCV001356279.8), dbSNP rs376305734, ClinGen allele CA5610472.
Genomic context (GRCh38, chr10:93,662,577, plus strand): 5'-ACATCTTAGAAACCTGTCTTAAAGGATTTATTTCTCTTTCTAGCCTATGATGGACAGAAA[C>A]AAAAGAGATGAATTACCTAAACTTCAAGTTGGATTTATTGATTTTGTTTGTACTTTTGTA-3'
Protein context (NP_006195.3, residues 757-777): QQQPIPMMDR[Asn767Lys]KRDELPKLQV